The following is an entry in ClinVar:

NM_005219.5(DIAPH1):c.2034_2072del (p.Arg686_Ala698del)

Gene: DIAPH1 (diaphanous related formin 1; minus strand). Cytogenetic location: 5q31.3.
Variant type: Deletion.
Coding change: c.2034_2072del on transcript NM_005219.5 (MANE Select); coding-DNA positions 2034 to 2072, 39 bases deleted.
Protein change: p.Arg686_Ala698del.
Molecular consequence: inframe deletion.
Genome position (GRCh38, 1-based): chr5:141,573,778-141,573,816, 39 bases deleted; deleting any 39 consecutive bases within chr5:141,573,778-141,573,821 gives the same sequence; the c. name uses the placement nearest the transcript's 3' end. GRCh37 (hg19): chr5:140,953,350-140,953,388.
Other names: c.2007_2045del, p.Arg677_Ala689del (NM_001079812.3); c.2034_2072del, p.Arg686_Ala698del (NM_001314007.2).
Identifiers: ClinVar variation 2940043 (VCV002940043.3), dbSNP rs2513739914, ClinGen allele CA2740094098.

ClinVar aggregate classification (germline): Uncertain significance (1 of 4 stars; one submission).

Conditions:
Progressive microcephaly-seizures-cortical blindness-developmental delay syndrome. Also called: Seizures, cortical blindness, and microcephaly syndrome. Identifiers: Orphanet 477814, MedGen C5567650, MONDO:0014714, OMIM 616632.
Autosomal dominant nonsyndromic hearing loss 1. Also called: KONIGSMARK SYNDROME; DEAFNESS, AUTOSOMAL DOMINANT 1, WITH OR WITHOUT THROMBOCYTOPENIA. Identifiers: Orphanet 90635, MedGen C1852282, MONDO:0007424, OMIM 124900.

Submission:

Labcorp Genetics (formerly Invitae), Labcorp
Classification: Uncertain significance for Progressive microcephaly-seizures-cortical blindness-developmental delay syndrome; Autosomal dominant nonsyndromic hearing loss 1. Last evaluated: 2023-04-07. Review status: criteria provided, single submitter. Criteria: Invitae Variant Classification Sherloc (09022015). Collection method: clinical testing. Allele origin: germline.
Comment: This variant has not been reported in the literature in individuals affected with DIAPH1-related conditions. In summary, the available evidence is currently insufficient to determine the role of this variant in disease. Therefore, it has been classified as a Variant of Uncertain Significance. Experimental studies and prediction algorithms are not available or were not evaluated, and the functional significance of this variant is currently unknown. This variant is not present in population databases (gnomAD no frequency). This variant, c.2034_2072del, results in the deletion of 13 amino acid(s) of the DIAPH1 protein (p.Arg686_Ala698del), but otherwise preserves the integrity of the reading frame.